The following is an entry in ClinVar:

ClinVar aggregate classification (germline): Conflicting classifications of pathogenicity. Review status: criteria provided, conflicting classifications (1 of 4 stars). 4 submissions from 4 submitters: Uncertain significance (3); Likely benign (1). Last evaluated 2023-09-13.

Conditions:
Hereditary cancer-predisposing syndrome. Also called: Neoplastic Syndromes, Hereditary; Tumor predisposition; Hereditary Cancer Syndrome; Hereditary neoplastic syndrome. Identifiers: Orphanet 140162, MedGen C0027672, MeSH D009386, MONDO:0015356.
Hereditary breast ovarian cancer syndrome. Also called: Hereditary breast and ovarian cancer syndrome; Hereditary breast and/or ovarian cancer syndrome; Hereditary breast and ovarian cancer syndrome (HBOC); Breast and ovarian cancer; BRCA1- and BRCA2-Associated Hereditary Breast and Ovarian Cancer; Hereditary breast and ovarian cancer. Identifiers: Orphanet 145, MedGen C0677776, MeSH D061325, MONDO:0003582. Disease mechanism: loss of function.

Submissions (4):

Quest Diagnostics Nichols Institute San Juan Capistrano
Classification: Uncertain significance. Last evaluated: 2023-09-13. Review status: criteria provided, single submitter. Criteria: Quest Diagnostics criteria. Collection method: clinical testing. Allele origin: unknown.
Comment: In the published literature, this variant has been reported in to be located in a region of the BRCA1 gene that is tolerant to missense sequence changes (PMID: 31911673 (2020)). This variant has not been reported in individuals with BRCA1-related disorders. This variant has not been reported in large, multi-ethnic general populations (Genome Aggregation Database). Analysis of this variant using bioinformatics tools for the prediction of the effect of amino acid changes on protein structure and function yielded predictions that this variant is benign. Based on the available information, we are unable to determine the clinical significance of this variant.

University of Washington Department of Laboratory Medicine, University of Washington
Classification: Likely benign for Hereditary cancer-predisposing syndrome. Last evaluated: 2023-03-23. Review status: criteria provided, single submitter. Criteria: Dines et al. (Genet Med. 2020). Collection method: curation. Allele origin: germline.
Comment: Missense variant in a coldspot region where missense variants are very unlikely to be pathogenic (PMID:31911673).

BRCA1 coldspot (exon 11 using historical exon numbering). Reclassification based on statistical prior probability

Labcorp Genetics (formerly Invitae), Labcorp
Classification: Uncertain significance for Hereditary breast ovarian cancer syndrome. Last evaluated: 2020-10-11. Review status: criteria provided, single submitter. Criteria: Invitae Variant Classification Sherloc (09022015). Collection method: clinical testing. Allele origin: germline.
Comment: In summary, the available evidence is currently insufficient to determine the role of this variant in disease. Therefore, it has been classified as a Variant of Uncertain Significance. Advanced modeling of protein sequence and biophysical properties (such as structural, functional, and spatial information, amino acid conservation, physicochemical variation, residue mobility, and thermodynamic stability) performed at Invitae indicates that this missense variant is not expected to disrupt BRCA1 protein function. This variant has not been reported in the literature in individuals with BRCA1-related conditions. This variant is not present in population databases (ExAC no frequency). This sequence change replaces glutamic acid with lysine at codon 1222 of the BRCA1 protein (p.Glu1222Lys). The glutamic acid residue is moderately conserved and there is a small physicochemical difference between glutamic acid and lysine.

Laboratory for Molecular Medicine, Mass General Brigham Personalized Medicine
Classification: Uncertain significance. Last evaluated: 2019-04-18. Review status: criteria provided, single submitter. Criteria: ACMG Guidelines, 2015. Collection method: clinical testing. Allele origin: germline.
Comment: The p.Glu1222Lys variant in BRCA1 has not been previously reported in individuals with hereditary breast and ovarian cancer and was absent from large population studies. Computational prediction tools and conservation analysis suggest that this variant may not impact the protein, though this information is not predictive enough to rule out pathogenicity. In summary, the clinical significance of this variant is uncertain. ACMG/AMP Criteria applied: PM2, BP4.

Literature cited by the submitters: PubMed 31911673 (cited by Quest Diagnostics Nichols Institute San Juan Capistrano).

NM_007294.4(BRCA1):c.3664G>A (p.Glu1222Lys)

Genes: BRCA1 (BRCA1 DNA repair associated; minus strand), LOC126862571 (BRD4-independent group 4 enhancer GRCh37_chr17:41243136-41244335; plus strand). Cytogenetic location: 17q21.31.
Variant type: single nucleotide variant.
Coding change: c.3664G>A on transcript NM_007294.4 (MANE Select); coding-DNA position 3664, G replaced by A.
Protein change: p.Glu1222Lys; replaces glutamic acid 1222 with lysine.
Molecular consequence: missense variant. On other transcripts: intron variant (135).
Genome position (GRCh38, 1-based): chr17:43,091,867, C>T on the plus strand (G>A on the coding strand, the complement: BRCA1 is on the minus strand). VCF-style: chr17-43091867-C-T. GRCh37 (hg19) VCF-style: chr17-41243884-C-T.
Other names: c.3451G>A, p.Glu1151Lys (NM_001407571.1, NM_001407853.1, NM_001407894.1 and 9 more transcripts); c.3664G>A, p.Glu1222Lys (NM_001407581.1, NM_001407582.1, NM_001407583.1 and 30 more transcripts); c.3661G>A, p.Glu1221Lys (NM_001407587.1, NM_001407590.1, NM_001407591.1 and 22 more transcripts); c.3655G>A, p.Glu1219Lys (NM_001407646.1, NM_001407647.1); c.3541G>A, p.Glu1181Lys (NM_001407648.1, NM_001407664.1, NM_001407665.1 and 19 more transcripts); c.3538G>A, p.Glu1180Lys (NM_001407649.1, NM_001407670.1, NM_001407671.1 and 11 more transcripts); c.3586G>A, p.Glu1196Lys (NM_001407653.1, NM_001407654.1, NM_001407655.1 and 4 more transcripts); c.3583G>A, p.Glu1195Lys (NM_001407659.1, NM_001407660.1, NM_001407661.1 and 1 more transcripts); and 41 more; short protein forms E1175K, E1222K, E1094K, E1111K, E1133K, E1151K, E1155K, E1180K.
Identifiers: ClinVar variation 1000551 (VCV001000551.14), dbSNP rs80357356, ClinGen allele CA10594643.